The following is an entry in ClinVar:

ClinVar aggregate classification (germline): Benign/Likely benign. Review status: criteria provided, multiple submitters, no conflicts (2 of 4 stars). 4 submissions from 4 submitters: Benign (1); Likely benign (2). 1 of the submissions does not count toward it. Last evaluated 2026-04-13.

Conditions:
CLCN5-related disorder. Also called: CLCN5-related condition.

Allele frequency attached by ClinVar (database versions not stated): gnomAD exomes 0.00001; ExAC 0.00003; TOPMed 0.00010; gnomAD 0.00011; 1000 Genomes Project 30x 0.00021; 1000 Genomes Project 0.00026.
gnomAD v4.1: 26 of 1,209,061 alleles (0.0022%); highest among the groups gnomAD compares: African/African-American, 0.037%; no homozygotes.

Submissions (4):

Women's Health and Genetics/Laboratory Corporation of America, LabCorp
Classification: Likely benign. Last evaluated: 2026-04-13. Review status: criteria provided, single submitter. Criteria: LabCorp Variant Classification Summary - May 2015. Collection method: clinical testing. Allele origin: germline.

Labcorp Genetics (formerly Invitae), Labcorp
Classification: Benign. Last evaluated: 2024-12-10. Review status: criteria provided, single submitter. Criteria: Invitae Variant Classification Sherloc (09022015). Collection method: clinical testing. Allele origin: germline.

Blueprint Genetics
Classification: Likely benign. Last evaluated: 2023-05-17. Review status: criteria provided, single submitter. Criteria: ACMG Guidelines, 2015. Collection method: clinical testing. Allele origin: germline.

PreventionGenetics, part of Exact Sciences
Classification: Likely benign for CLCN5-related condition. Last evaluated: 2019-07-30. Review status: no assertion criteria provided. Collection method: clinical testing. Allele origin: germline. Not counted in ClinVar's aggregate classification.
Comment: This variant is classified as likely benign based on ACMG/AMP sequence variant interpretation guidelines (Richards et al. 2015 PMID: 25741868, with internal and published modifications).

NM_001127898.4(CLCN5):c.1950C>A (p.Thr650=)

Genes: CLCN5 (Cl-/H+ antiporter 5; plus strand), LOC126863258 (BRD4-independent group 4 enhancer GRCh37_chrX:49854497-49855696; plus strand). Cytogenetic location: Xp11.23.
Variant type: single nucleotide variant.
Coding change: c.1950C>A on transcript NM_001127898.4 (MANE Select); coding-DNA position 1950, C replaced by A.
Protein change: p.Thr650=; no amino-acid change (threonine 650 retained).
Molecular consequence: synonymous variant.
Genome position (GRCh38, 1-based): chrX:50,090,321, C>A. VCF-style: chrX-50090321-C-A. GRCh37 (hg19) VCF-style: chrX-49854978-C-A.
Other names: c.1740C>A (NM_000084.4); c.1740C>A, p.Thr580= (NM_000084.5); c.1950C>A, p.Thr650= (NM_001127899.4); c.1800C>A, p.Thr600= (NM_001282163.2).
Identifiers: ClinVar variation 2959735 (VCV002959735.7), dbSNP rs181954380, ClinGen allele CA10413941.
Genomic context (GRCh38, chrX:50,090,321, plus strand): 5'-CCACATCCGTCTCAATGGATACCCCTTTCTTGAAGCCAAAGAAGAGTTTGCTCATAAGAC[C>A]CTGGCAATGGATGTGATGAAACCCCGGAGAAATGATCCTTTGTTGACTGTCCTTACTCAG-3'
Protein context (NP_001121370.1, residues 640-660): LEAKEEFAHK[Thr650=]LAMDVMKPRR